The following is an entry in ClinVar:

ClinVar aggregate classification (germline): Likely pathogenic (1 of 4 stars; one submission).

Submission:

Labcorp Genetics (formerly Invitae), Labcorp
Classification: Likely pathogenic. Last evaluated: 2024-06-03. Review status: criteria provided, single submitter. Criteria: Invitae Variant Classification Sherloc (09022015). Collection method: clinical testing. Allele origin: germline.
Comment: This variant results in the deletion of part of exon 38 (c.4413-205_4579del) of the VPS13A gene. It is expected to disrupt RNA splicing. Variants that disrupt the donor or acceptor splice site typically lead to a loss of protein function (PMID: 16199547), and loss-of-function variants in VPS13A are known to be pathogenic (PMID: 12404112, 21598378). This variant is not present in population databases (gnomAD no frequency). This variant has not been reported in the literature in individuals affected with VPS13A-related conditions. ClinVar contains an entry for this variant (Variation ID: 2026367). In summary, the currently available evidence indicates that the variant is pathogenic, but additional data are needed to prove that conclusively. Therefore, this variant has been classified as Likely Pathogenic.

Literature cited by the submitters: PubMed 16199547; PubMed 12404112; PubMed 21598378.

NM_033305.3(VPS13A):c.4413-205_4579del

Gene: VPS13A (vacuolar protein sorting 13 homolog A; plus strand). Cytogenetic location: 9q21.2.
Variant type: Deletion.
Coding change: c.4413-205_4579del on transcript NM_033305.3 (MANE Select); 205 bases into the intron before coding-DNA position 4413 through coding-DNA position 4579, 372 bases deleted.
Molecular consequence: splice acceptor variant.
Genome position (GRCh38, 1-based): chr9:77,315,048-77,315,419, 372 bases deleted. GRCh37 (hg19): chr9:79,929,964-79,930,335.
Other names: c.4296-205_4462del (NM_001018037.2); c.4413-205_4579del (NM_015186.4, NM_001018038.3).
Identifiers: ClinVar variation 2026367 (VCV002026367.4), dbSNP rs2537981904, ClinGen allele CA2580080748.